The following is an entry in ClinVar:

NM_020632.3(ATP6V0A4):c.2412C>T (p.His804=)

Gene: ATP6V0A4 (ATPase H+ transporting V0 subunit a4; minus strand). Cytogenetic location: 7q34.
Variant type: single nucleotide variant.
Coding change: c.2412C>T on transcript NM_020632.3 (MANE Select); coding-DNA position 2412, C replaced by T.
Protein change: p.His804=; no amino-acid change (histidine 804 retained).
Molecular consequence: synonymous variant.
Genome position (GRCh38, 1-based): chr7:138,709,641, G>A on the plus strand (C>T on the coding strand, the complement: ATP6V0A4 is on the minus strand). VCF-style: chr7-138709641-G-A. GRCh37 (hg19) VCF-style: chr7-138394386-G-A.
Other names: c.2412C>T, p.His804= (NM_130840.3, NM_130841.3).
Identifiers: ClinVar variation 359004 (VCV000359004.10), dbSNP rs372230422, ClinGen allele CA4504435.

ClinVar aggregate classification (germline): Conflicting classifications of pathogenicity. Review status: criteria provided, conflicting classifications (1 of 4 stars). 4 submissions from 4 submitters: Uncertain significance (1); Likely benign (3). Last evaluated 2026-01-20.

Conditions:
ATP6V0A4-related disorder. Also called: ATP6V0A4-related condition.
Autosomal recessive distal renal tubular acidosis. Identifiers: Orphanet 402041, MedGen C1864498, MONDO:0018440.

Allele frequency attached by ClinVar (database versions not stated): TOPMed 0.00009; gnomAD 0.00013 and 0.00014; gnomAD exomes 0.00014; ExAC 0.00016; ESP Exome Variant Server 0.00023; 1000 Genomes Project 30x 0.00031; 1000 Genomes Project 0.00040.
gnomAD v4.1: 108 of 1,612,698 alleles (0.0067%); highest among the groups gnomAD compares: East Asian, 0.1%; no homozygotes.

Submissions (4):

Labcorp Genetics (formerly Invitae), Labcorp
Classification: Likely benign. Last evaluated: 2026-01-20. Review status: criteria provided, single submitter. Criteria: Invitae Variant Classification Sherloc (09022015). Collection method: clinical testing. Allele origin: germline.

PreventionGenetics, part of Exact Sciences
Classification: Likely benign for ATP6V0A4-related condition. Last evaluated: 2025-02-03. Review status: criteria provided, single submitter. Criteria: ACMG Guidelines, 2015. Collection method: clinical testing. Allele origin: germline.
Comment: This variant is classified as likely benign based on ACMG/AMP sequence variant interpretation guidelines (Richards et al. 2015 PMID: 25741868, with internal and published modifications).

Blueprint Genetics
Classification: Likely benign. Last evaluated: 2023-04-29. Review status: criteria provided, single submitter. Criteria: ACMG Guidelines, 2015. Collection method: clinical testing. Allele origin: germline.

Illumina Laboratory Services, Illumina
Classification: Uncertain significance for Renal tubular acidosis, distal, 3, with or without sensorineural hearing loss. Last evaluated: 2018-01-12. Review status: criteria provided, single submitter. Criteria: ICSL Variant Classification Criteria 13 December 2019. Collection method: clinical testing. Allele origin: germline.